The following is an entry in ClinVar:

ClinVar aggregate classification (germline): Uncertain significance (1 of 4 stars; one submission).

Conditions:
Tyrosinemia type II (TYRSN2). Also called: TAT DEFICIENCY; TYROSINE AMINOTRANSFERASE DEFICIENCY; TYROSINE TRANSAMINASE DEFICIENCY; OREGON TYPE TYROSINEMIA; KERATOSIS PALMOPLANTARIS WITH CORNEAL DYSTROPHY. Identifiers: Orphanet 28378, MedGen C0268487, MONDO:0010160, OMIM 276600.

Allele frequency attached by ClinVar (database versions not stated): TOPMed 0.00005; gnomAD exomes 0.00006 and 0.00010; gnomAD 0.00007; ExAC 0.00013; ESP Exome Variant Server 0.00015.

Submission:

Labcorp Genetics (formerly Invitae), Labcorp
Classification: Uncertain significance for Tyrosinemia type II. Last evaluated: 2022-10-25. Review status: criteria provided, single submitter. Criteria: Invitae Variant Classification Sherloc (09022015). Collection method: clinical testing. Allele origin: germline.
Comment: This sequence change replaces methionine, which is neutral and non-polar, with isoleucine, which is neutral and non-polar, at codon 427 of the TAT protein (p.Met427Ile). This variant is present in population databases (rs201364717, gnomAD 0.02%). This variant has not been reported in the literature in individuals affected with TAT-related conditions. ClinVar contains an entry for this variant (Variation ID: 1499100). Advanced modeling of protein sequence and biophysical properties (such as structural, functional, and spatial information, amino acid conservation, physicochemical variation, residue mobility, and thermodynamic stability) performed at Invitae indicates that this missense variant is not expected to disrupt TAT protein function. In summary, the available evidence is currently insufficient to determine the role of this variant in disease. Therefore, it has been classified as a Variant of Uncertain Significance.

NM_000353.3(TAT):c.1281G>A (p.Met427Ile)

Genes: TAT (tyrosine aminotransferase; minus strand), TAT-AS1 (TAT antisense RNA 1; plus strand). Cytogenetic location: 16q22.2.
Variant type: single nucleotide variant.
Coding change: c.1281G>A on transcript NM_000353.3 (MANE Select); coding-DNA position 1281, G replaced by A.
Protein change: p.Met427Ile; replaces methionine 427 with isoleucine.
Molecular consequence: missense variant.
Genome position (GRCh38, 1-based): chr16:71,568,228, C>T on the plus strand (G>A on the coding strand, the complement: TAT is on the minus strand). VCF-style: chr16-71568228-C-T. GRCh37 (hg19) VCF-style: chr16-71602131-C-T.
Other names: short protein forms M427I.
Identifiers: ClinVar variation 1499100 (VCV001499100.3), dbSNP rs201364717, ClinGen allele CA8153723.